The following is an entry in ClinVar:

NM_004385.5(VCAN):c.6869T>G (p.Val2290Gly)

Genes: VCAN (versican; plus strand), VCAN-AS1 (VCAN antisense RNA 1; minus strand). Cytogenetic location: 5q14.3.
Variant type: single nucleotide variant.
Coding change: c.6869T>G on transcript NM_004385.5 (MANE Select); coding-DNA position 6869, T replaced by G.
Protein change: p.Val2290Gly; replaces valine 2290 with glycine.
Molecular consequence: missense variant. On other transcripts: intron variant (2).
Genome position (GRCh38, 1-based): chr5:83,539,872, T>G. VCF-style: chr5-83539872-T-G. GRCh37 (hg19) VCF-style: chr5-82835691-T-G.
Other names: c.3908T>G, p.Val1303Gly (NM_001164097.2); c.4004-5665T>G (NM_001164098.2); c.1043-5665T>G (NM_001126336.3); short protein forms V2290G, V1303G.
Identifiers: ClinVar variation 1354579 (VCV001354579.6), dbSNP rs2112445896, ClinGen allele CA360313514.

ClinVar aggregate classification (germline): Uncertain significance (1 of 4 stars; one submission).

Submission:

Labcorp Genetics (formerly Invitae), Labcorp
Classification: Uncertain significance. Last evaluated: 2023-08-04. Review status: criteria provided, single submitter. Criteria: Invitae Variant Classification Sherloc (09022015). Collection method: clinical testing. Allele origin: germline.
Comment: In summary, the available evidence is currently insufficient to determine the role of this variant in disease. Therefore, it has been classified as a Variant of Uncertain Significance. Algorithms developed to predict the effect of missense changes on protein structure and function output the following: SIFT: "Not Available"; PolyPhen-2: "Benign"; Align-GVGD: "Not Available". The glycine amino acid residue is found in multiple mammalian species, which suggests that this missense change does not adversely affect protein function. ClinVar contains an entry for this variant (Variation ID: 1354579). This variant has not been reported in the literature in individuals affected with VCAN-related conditions. This variant is not present in population databases (gnomAD no frequency). This sequence change replaces valine, which is neutral and non-polar, with glycine, which is neutral and non-polar, at codon 2290 of the VCAN protein (p.Val2290Gly).